The following is an entry in ClinVar:

ClinVar aggregate classification (germline): Uncertain significance (1 of 4 stars; one submission).

Conditions:
Baller-Gerold syndrome (BGS). Also called: CRANIOSYNOSTOSIS WITH RADIAL DEFECTS. Identifiers: Orphanet 1225, MedGen C0265308, MONDO:0009039, OMIM 218600.

Submission:

Labcorp Genetics (formerly Invitae), Labcorp
Classification: Uncertain significance for Baller-Gerold syndrome. Last evaluated: 2022-03-27. Review status: criteria provided, single submitter. Criteria: Invitae Variant Classification Sherloc (09022015). Collection method: clinical testing. Allele origin: germline.
Comment: In summary, the available evidence is currently insufficient to determine the role of this variant in disease. Therefore, it has been classified as a Variant of Uncertain Significance. Experimental studies and prediction algorithms are not available or were not evaluated, and the functional significance of this variant is currently unknown. This variant has not been reported in the literature in individuals affected with RECQL4-related conditions. This variant results in a copy number gain of the genomic region encompassing exon(s) 1-4 of the RECQL4 gene. This region includes the initiator codon of the gene. This copy number gain extends beyond the assayed region for this gene and therefore may encompass additional genes. As the precise location of this event is unknown, it may be in tandem or it may be located elsewhere in the genome.

NC_000008.10:g.(?_145742424)_(145743168_?)dup

Gene: RECQL4 (RecQ like helicase 4; minus strand). Cytogenetic location: 8q24.3.
Variant type: Duplication.
Identifiers: ClinVar variation 2425049 (VCV002425049.4).